The following is an entry in ClinVar:

ClinVar aggregate classification (germline): Likely pathogenic (1 of 4 stars; one submission).

Conditions:
GLI3-related disorder. Also called: GLI3-related condition; GLI3-related disorders. Identifiers: MedGen CN239292.

Submission:

Greenwood Genetic Center Diagnostic Laboratories, Greenwood Genetic Center
Classification: Likely pathogenic for GLI3-related disorder. Last evaluated: 2026-06-18. Review status: criteria provided, single submitter. Criteria: ACMG Guidelines, 2015. Collection method: clinical testing. Allele origin: germline. Affected: yes.
Comment: PVS1, PM2

NM_000168.6(GLI3):c.2185G>T (p.Glu729Ter)

Gene: GLI3 (GLI family zinc finger 3; minus strand). Cytogenetic location: 7p14.1.
Variant type: single nucleotide variant.
Coding change: c.2185G>T on transcript NM_000168.6 (MANE Select); coding-DNA position 2185, G replaced by T.
Protein change: p.Glu729Ter; replaces glutamic acid 729 with a stop codon.
Molecular consequence: nonsense.
Genome position (GRCh38, 1-based): chr7:41,967,842, C>A on the plus strand (G>T on the coding strand, the complement: GLI3 is on the minus strand). VCF-style: chr7-41967842-C-A. GRCh37 (hg19) VCF-style: chr7-42007440-C-A.
Other names: short protein forms E729*.
Identifiers: ClinVar variation 4891162 (VCV004891162.1).